The following is an entry in ClinVar:

NM_000929.3(PLA2G5):c.292G>A (p.Glu98Lys)

Gene: PLA2G5 (phospholipase A2 group V; plus strand). Cytogenetic location: 1p36.13.
Variant type: single nucleotide variant.
Coding change: c.292G>A on transcript NM_000929.3 (MANE Select); coding-DNA position 292, G replaced by A.
Protein change: p.Glu98Lys; replaces glutamic acid 98 with lysine.
Molecular consequence: missense variant.
Genome position (GRCh38, 1-based): chr1:20,089,895, G>A. VCF-style: chr1-20089895-G-A. GRCh37 (hg19) VCF-style: chr1-20416388-G-A.
Other names: short protein forms E98K.
Identifiers: ClinVar variation 1491426 (VCV001491426.9), dbSNP rs142343582, ClinGen allele CA658233.

ClinVar aggregate classification (germline): Uncertain significance. Review status: criteria provided, multiple submitters, no conflicts (2 of 4 stars). 2 submissions from 2 submitters: Uncertain significance (2). Last evaluated 2025-06-19.

Allele frequency attached by ClinVar (database versions not stated): ExAC 0.00004; gnomAD exomes 0.00004; TOPMed 0.00005; ESP Exome Variant Server 0.00008; gnomAD 0.00010; 1000 Genomes Project 0.00020; 1000 Genomes Project 30x 0.00031.

Submissions (2):

Labcorp Genetics (formerly Invitae), Labcorp
Classification: Uncertain significance. Last evaluated: 2025-06-19. Review status: criteria provided, single submitter. Criteria: Invitae Variant Classification Sherloc (09022015). Collection method: clinical testing. Allele origin: germline.
Comment: This sequence change replaces glutamic acid, which is acidic and polar, with lysine, which is basic and polar, at codon 98 of the PLA2G5 protein (p.Glu98Lys). This variant is present in population databases (rs142343582, gnomAD 0.04%). This variant has not been reported in the literature in individuals affected with PLA2G5-related conditions. ClinVar contains an entry for this variant (Variation ID: 1491426). An algorithm developed to predict the effect of missense changes on protein structure and function (PolyPhen-2) suggests that this variant is likely to be disruptive. Algorithms developed to predict the effect of sequence changes on RNA splicing suggest that this variant may disrupt the consensus splice site. In summary, the available evidence is currently insufficient to determine the role of this variant in disease. Therefore, it has been classified as a Variant of Uncertain Significance.

Blueprint Genetics
Classification: Uncertain significance. Last evaluated: 2021-06-17. Review status: criteria provided, single submitter. Criteria: ACMG Guidelines, 2015. Collection method: clinical testing. Allele origin: germline.